The following is an entry in ClinVar:

ClinVar aggregate classification (germline): Likely benign. Review status: criteria provided, multiple submitters, no conflicts (2 of 4 stars). 3 submissions from 3 submitters: Likely benign (2). 1 of the submissions does not count toward it. Last evaluated 2023-08-16.

Conditions:
Bardet-Biedl syndrome (BBS). Identifiers: Orphanet 110, MedGen C0752166, MONDO:0015229.
BBS4-related disorder. Also called: BBS4-related condition.

Allele frequency attached by ClinVar (database versions not stated): gnomAD 0.00001; gnomAD exomes 0.00001; TOPMed 0.00002.
gnomAD v4.1: 4 of 1,613,942 alleles (0.00025%); highest among the groups gnomAD compares: South Asian, 0.0022%; no homozygotes.

Submissions (3):

Labcorp Genetics (formerly Invitae), Labcorp
Classification: Likely benign for Bardet-Biedl syndrome. Last evaluated: 2023-08-16. Review status: criteria provided, single submitter. Criteria: Invitae Variant Classification Sherloc (09022015). Collection method: clinical testing. Allele origin: germline.

Blueprint Genetics
Classification: Likely benign. Last evaluated: 2023-07-21. Review status: criteria provided, single submitter. Criteria: ACMG Guidelines, 2015. Collection method: clinical testing. Allele origin: germline.

PreventionGenetics, part of Exact Sciences
Classification: Likely benign for BBS4-related condition. Last evaluated: 2023-04-26. Review status: no assertion criteria provided. Collection method: clinical testing. Allele origin: germline. Not counted in ClinVar's aggregate classification.
Comment: This variant is classified as likely benign based on ACMG/AMP sequence variant interpretation guidelines (Richards et al. 2015 PMID: 25741868, with internal and published modifications).

NM_033028.5(BBS4):c.1224T>C (p.Asn408=)

Gene: BBS4 (Bardet-Biedl syndrome 4; plus strand). Cytogenetic location: 15q24.1.
Variant type: single nucleotide variant.
Coding change: c.1224T>C on transcript NM_033028.5 (MANE Select); coding-DNA position 1224, T replaced by C.
Protein change: p.Asn408=; no amino-acid change (asparagine 408 retained).
Molecular consequence: synonymous variant. On other transcripts: non-coding transcript variant (2).
Genome position (GRCh38, 1-based): chr15:72,735,942, T>C. VCF-style: chr15-72735942-T-C. GRCh37 (hg19) VCF-style: chr15-73028283-T-C.
Other names: c.708T>C, p.Asn236= (NM_001252678.2); c.1155T>C, p.Asn385= (NM_001320665.2); c.1224T>C (NM_033028.4).
Identifiers: ClinVar variation 3019508 (VCV003019508.6), dbSNP rs1190159086, ClinGen allele CA491121962.